The following is an entry in ClinVar:

NM_006910.5(RBBP6):c.4246C>G (p.Pro1416Ala)

Gene: RBBP6 (RB binding protein 6, ubiquitin ligase; plus strand). Cytogenetic location: 16p12.1.
Variant type: single nucleotide variant.
Coding change: c.4246C>G on transcript NM_006910.5 (MANE Select); coding-DNA position 4246, C replaced by G.
Protein change: p.Pro1416Ala; replaces proline 1416 with alanine.
Molecular consequence: missense variant.
Genome position (GRCh38, 1-based): chr16:24,571,312, C>G. VCF-style: chr16-24571312-C-G. GRCh37 (hg19) VCF-style: chr16-24582633-C-G.
Other names: c.4144C>G, p.Pro1382Ala (NM_018703.4); short protein forms P1382A, P1416A.
Identifiers: ClinVar variation 1338179 (VCV001338179.4), dbSNP rs2141480056, ClinGen allele CA395174772.

ClinVar aggregate classification (germline): Uncertain significance (1 of 4 stars; one submission).

Allele frequency attached by ClinVar (database versions not stated): gnomAD exomes below 0.00001.

Submission:

Genetic Services Laboratory, University of Chicago
Classification: Uncertain significance. Last evaluated: 2021-11-29. Review status: criteria provided, single submitter. Criteria: ACMG Guidelines, 2015. Collection method: clinical testing. Allele origin: germline. Affected: no.
Comment: DNA sequence analysis of the RBBP6 gene demonstrated a sequence change, c.4246C>G, in exon 18 that results in an amino acid change, p.Pro1416Ala. This sequence change does not appear to have been previously described in individuals with RBBP6-related disorders and has also not been described in the population databases such as ExAC and gnomAD. The p.Pro1416Ala change affects a moderately conserved amino acid residue located in a domain of the RBBP6 protein that is not known to be functional. The p.Pro1416Ala substitution appears to be benign using several in-silico pathogenicity prediction tools (SIFT, PolyPhen2, Align GVGD, REVEL). Due to insufficient evidences and the lack of functional studies, the clinical significance of the p.Pro1416Ala change remains unknown at this time.